The following is an entry in ClinVar:

NM_032208.3(ANTXR1):c.1143T>C (p.Ser381=)

Gene: ANTXR1 (ANTXR cell adhesion molecule 1; plus strand). Cytogenetic location: 2p13.3.
Variant type: single nucleotide variant.
Coding change: c.1143T>C on transcript NM_032208.3 (MANE Select); coding-DNA position 1143, T replaced by C.
Protein change: p.Ser381=; no amino-acid change (serine 381 retained).
Molecular consequence: synonymous variant.
Genome position (GRCh38, 1-based): chr2:69,181,839, T>C. VCF-style: chr2-69181839-T-C. GRCh37 (hg19) VCF-style: chr2-69408971-T-C.
Identifiers: ClinVar variation 5040655 (VCV005040655.1).

ClinVar aggregate classification (germline): Likely benign (1 of 4 stars; one submission).

gnomAD v4.1: 1 of 1,614,104 alleles (0.000062%); highest among the groups gnomAD compares: Admixed American, 0.0017%; no homozygotes.

Submission:

CeGaT Center for Human Genetics Tuebingen
Classification: Likely benign. Last evaluated: 2026-08-01. Review status: criteria provided, single submitter. Criteria: CeGaT Center For Human Genetics Tuebingen Variant Classification Criteria Version 2. Collection method: clinical testing. Allele origin: germline. Affected: yes. Observed: 1 variant allele.
Comment: ANTXR1: BP4, BP7